The following is an entry in ClinVar:

ClinVar aggregate classification (germline): Uncertain significance. Review status: criteria provided, multiple submitters, no conflicts (2 of 4 stars). 3 submissions from 3 submitters: Uncertain significance (3). Last evaluated 2026-09-28.

Allele frequency attached by ClinVar (database versions not stated): gnomAD exomes below 0.00001.
gnomAD v4.1: 2 of 1,612,926 alleles (0.00012%); highest among the groups gnomAD compares: Non-Finnish European, 0.000085%; no homozygotes.

Submissions (3):

GeneDx
Classification: Uncertain significance. Last evaluated: 2026-09-28. Review status: criteria provided, single submitter. Criteria: GeneDx Variant Classification Process June 2021. Collection method: clinical testing. Allele origin: germline.
Comment: Not observed at significant frequency in large population cohorts (gnomAD); In silico analysis indicates that this missense variant does not alter protein structure/function; Has not been previously published as pathogenic or benign to our knowledge

Blueprint Genetics
Classification: Uncertain significance. Last evaluated: 2024-10-15. Review status: criteria provided, single submitter. Criteria: ACMG Guidelines, 2015. Collection method: clinical testing. Allele origin: germline.

Eurofins Ntd Llc (ga)
Classification: Uncertain significance. Last evaluated: 2015-02-24. Review status: criteria provided, single submitter. Criteria: EGL Classification Definitions 2015. Collection method: clinical testing. Allele origin: germline. Observed: 1 variant allele, 1 heterozygote.

NM_001876.4(CPT1A):c.1467G>A (p.Met489Ile)

Gene: CPT1A (carnitine palmitoyltransferase 1A; minus strand). Cytogenetic location: 11q13.3.
Variant type: single nucleotide variant.
Coding change: c.1467G>A on transcript NM_001876.4 (MANE Select); coding-DNA position 1467, G replaced by A.
Protein change: p.Met489Ile; replaces methionine 489 with isoleucine.
Molecular consequence: missense variant.
Genome position (GRCh38, 1-based): chr11:68,775,424, C>T on the plus strand (G>A on the coding strand, the complement: CPT1A is on the minus strand). VCF-style: chr11-68775424-C-T. GRCh37 (hg19) VCF-style: chr11-68542892-C-T.
Other names: c.1467G>A, p.Met489Ile (NM_001031847.3); short protein forms M489I.
Identifiers: ClinVar variation 194201 (VCV000194201.12), dbSNP rs794727096, ClinGen allele CA240064.